The following is an entry in ClinVar:

ClinVar aggregate classification (germline): Uncertain significance (1 of 4 stars; one submission).

Submission:

Labcorp Genetics (formerly Invitae), Labcorp
Classification: Uncertain significance. Last evaluated: 2022-05-05. Review status: criteria provided, single submitter. Criteria: Invitae Variant Classification Sherloc (09022015). Collection method: clinical testing. Allele origin: germline.
Comment: In summary, the available evidence is currently insufficient to determine the role of this variant in disease. Therefore, it has been classified as a Variant of Uncertain Significance. Algorithms developed to predict the effect of missense changes on protein structure and function are either unavailable or do not agree on the potential impact of this missense change (SIFT: "Not Available"; PolyPhen-2: "Benign"; Align-GVGD: "Not Available"). This variant has not been reported in the literature in individuals affected with POLA1-related conditions. This variant is not present in population databases (gnomAD no frequency). This sequence change replaces aspartic acid, which is acidic and polar, with valine, which is neutral and non-polar, at codon 154 of the POLA1 protein (p.Asp154Val).

NM_001330360.2(POLA1):c.461A>T (p.Asp154Val)

Gene: POLA1 (DNA polymerase alpha 1, catalytic subunit; plus strand). Cytogenetic location: Xp22.11.
Variant type: single nucleotide variant.
Coding change: c.461A>T on transcript NM_001330360.2 (MANE Select); coding-DNA position 461, A replaced by T.
Protein change: p.Asp154Val; replaces aspartic acid 154 with valine.
Molecular consequence: missense variant. On other transcripts: non-coding transcript variant (2).
Genome position (GRCh38, 1-based): chrX:24,714,668, A>T. VCF-style: chrX-24714668-A-T. GRCh37 (hg19) VCF-style: chrX-24732785-A-T.
Other names: c.461A>T, p.Asp154Val (NM_001378303.1); c.443A>T, p.Asp148Val (NM_016937.4); short protein forms D148V, D154V.
Identifiers: ClinVar variation 2134333 (VCV002134333.4), dbSNP rs2518754064, ClinGen allele CA412527276.